The following is an entry in ClinVar:

ClinVar aggregate classification (germline): Conflicting classifications of pathogenicity. Review status: criteria provided, conflicting classifications (1 of 4 stars). 5 submissions from 4 submitters: Uncertain significance (4); Likely benign (1). Last evaluated 2022-06-22.

Conditions:
Emery-Dreifuss muscular dystrophy 4, autosomal dominant (EDMD4). Also called: EMERY-DREIFUSS MUSCULAR DYSTROPHY 4 WITH VARIABLE FEATURES. Identifiers: Orphanet 261, MedGen C2751807, MONDO:0013071, OMIM 612998.
Autosomal recessive ataxia, Beauce type. Also called: SYNE1 Deficiency; SYNE1-Related Autosomal Recessive Cerebellar Ataxia; ATAXIA, RECESSIVE, OF BEAUCE; Spinocerebellar ataxia, autosomal recessive 8. Identifiers: Orphanet 88644, MedGen C1853116, MONDO:0012549, OMIM 610743.

Allele frequency attached by ClinVar (database versions not stated): gnomAD 0.00024 and 0.00023; TOPMed 0.00024; ExAC 0.00001; gnomAD exomes 0.00002 and 0.00008.
gnomAD v4.1: 71 of 1,614,056 alleles (0.0044%); highest among the groups gnomAD compares: Admixed American, 0.09%; no homozygotes.

Submissions (5):

Labcorp Genetics (formerly Invitae), Labcorp
Classification: Uncertain significance for Emery-Dreifuss muscular dystrophy 4, autosomal dominant; Autosomal recessive ataxia, Beauce type. Last evaluated: 2022-06-22. Review status: criteria provided, single submitter. Criteria: Invitae Variant Classification Sherloc (09022015). Collection method: clinical testing. Allele origin: germline.
Comment: This sequence change falls in intron 73 of the SYNE1 gene. It does not directly change the encoded amino acid sequence of the SYNE1 protein. It affects a nucleotide within the consensus splice site. This variant is present in population databases (rs770448083, gnomAD 0.05%). This variant has not been reported in the literature in individuals affected with SYNE1-related conditions. ClinVar contains an entry for this variant (Variation ID: 288638). Variants that disrupt the consensus splice site are a relatively common cause of aberrant splicing (PMID: 17576681, 9536098). Algorithms developed to predict the effect of sequence changes on RNA splicing suggest that this variant is not likely to affect RNA splicing. In summary, the available evidence is currently insufficient to determine the role of this variant in disease. Therefore, it has been classified as a Variant of Uncertain Significance.

CeGaT Center for Human Genetics Tuebingen
Classification: Likely benign. Last evaluated: 2018-06-01. Review status: criteria provided, single submitter. Criteria: CeGaT Center For Human Genetics Tuebingen Variant Classification Criteria Version 2. Collection method: clinical testing. Allele origin: germline. Affected: yes. Observed: 1 variant allele.

Illumina Laboratory Services, Illumina
Classification: Uncertain significance for Autosomal recessive ataxia, Beauce type. Last evaluated: 2018-01-13. Review status: criteria provided, single submitter. Criteria: ICSL Variant Classification Criteria 13 December 2019. Collection method: clinical testing. Allele origin: germline.

Illumina Laboratory Services, Illumina
Classification: Uncertain significance for Emery-Dreifuss muscular dystrophy 4, autosomal dominant. Last evaluated: 2018-01-13. Review status: criteria provided, single submitter. Criteria: ICSL Variant Classification Criteria 13 December 2019. Collection method: clinical testing. Allele origin: germline.

Eurofins Ntd Llc (ga)
Classification: Uncertain significance. Last evaluated: 2016-06-09. Review status: criteria provided, single submitter. Criteria: EGL Classification Definitions 2015. Collection method: clinical testing. Allele origin: germline. Observed: 1 variant allele, 1 heterozygote.

Literature cited by the submitters: PubMed 17576681 (cited by Labcorp Genetics (formerly Invitae), Labcorp); PubMed 9536098 (cited by Labcorp Genetics (formerly Invitae), Labcorp).

NM_182961.4(SYNE1):c.12225+4G>A

Gene: SYNE1 (spectrin repeat containing nuclear envelope protein 1; minus strand). Cytogenetic location: 6q25.2.
Variant type: single nucleotide variant.
Coding change: c.12225+4G>A on transcript NM_182961.4 (MANE Select); 4 bases into the intron after coding-DNA position 12225, G replaced by A.
Molecular consequence: intron variant.
Genome position (GRCh38, 1-based): chr6:152,344,077, C>T on the plus strand (G>A on the coding strand, the complement: SYNE1 is on the minus strand). VCF-style: chr6-152344077-C-T. GRCh37 (hg19) VCF-style: chr6-152665212-C-T.
Other names: c.12012+4G>A (NM_033071.5).
Identifiers: ClinVar variation 288638 (VCV000288638.53), dbSNP rs770448083, ClinGen allele CA4056473.